The following is an entry in ClinVar:

ClinVar aggregate classification (germline): Likely pathogenic (1 of 4 stars; one submission).

Submission:

Labcorp Genetics (formerly Invitae), Labcorp
Classification: Likely pathogenic. Last evaluated: 2024-05-06. Review status: criteria provided, single submitter. Criteria: Invitae Variant Classification Sherloc (09022015). Collection method: clinical testing. Allele origin: germline.
Comment: This sequence change replaces asparagine, which is neutral and polar, with lysine, which is basic and polar, at codon 1463 of the CACNA1E protein (p.Asn1463Lys). This variant is not present in population databases (gnomAD no frequency). This missense change has been observed in individual(s) with clinical features of CACNA1E-related conditions (Invitae). In at least one individual the variant was observed to be de novo. Advanced modeling of protein sequence and biophysical properties (such as structural, functional, and spatial information, amino acid conservation, physicochemical variation, residue mobility, and thermodynamic stability) has been performed at Invitae for this missense variant, however the output from this modeling did not meet the statistical confidence thresholds required to predict the impact of this variant on CACNA1E protein function. In summary, the currently available evidence indicates that the variant is pathogenic, but additional data are needed to prove that conclusively. Therefore, this variant has been classified as Likely Pathogenic.

NM_001205293.3(CACNA1E):c.4389C>G (p.Asn1463Lys)

Gene: CACNA1E (calcium voltage-gated channel subunit alpha1 E; plus strand). Cytogenetic location: 1q25.3.
Variant type: single nucleotide variant.
Coding change: c.4389C>G on transcript NM_001205293.3 (MANE Select); coding-DNA position 4389, C replaced by G.
Protein change: p.Asn1463Lys; replaces asparagine 1463 with lysine.
Molecular consequence: missense variant.
Genome position (GRCh38, 1-based): chr1:181,758,006, C>G. VCF-style: chr1-181758006-C-G. GRCh37 (hg19) VCF-style: chr1-181727142-C-G.
Other names: c.4389C>G, p.Asn1463Lys (NM_000721.4); c.4332C>G, p.Asn1444Lys (NM_001205294.2); short protein forms N1444K, N1463K.
Identifiers: ClinVar variation 2710278 (VCV002710278.3), dbSNP rs2528985690, ClinGen allele CA343624891.
Genomic context (GRCh38, chr1:181,758,006, plus strand): 5'-GAGGGCGTGCATCGACTTCGCCATCAGCGCCAAACCTCTCACCCGCTACATGCCGCAGAA[C>G]AGACACACCTTCCAGTACCGCGTGTGGCACTTTGTGGTGTCTCCGTCCTTTGAGTACACC-3'
Protein context (NP_001192222.1, residues 1453-1473): AKPLTRYMPQ[Asn1463Lys]RHTFQYRVWH